The following is an entry in ClinVar:

NM_001148.6(ANK2):c.7169A>T (p.Lys2390Met)

Genes: ANK2 (ankyrin 2; plus strand), LOC126807137 (CDK7 strongly-dependent group 2 enhancer GRCh37_chr4:114276560-114277759; plus strand). Cytogenetic location: 4q26.
Variant type: single nucleotide variant.
Coding change: c.7169A>T on transcript NM_001148.6 (MANE Select); coding-DNA position 7169, A replaced by T.
Protein change: p.Lys2390Met; replaces lysine 2390 with methionine.
Molecular consequence: missense variant. On other transcripts: intron variant (68).
Genome position (GRCh38, 1-based): chr4:113,355,787, A>T. VCF-style: chr4-113355787-A-T. GRCh37 (hg19) VCF-style: chr4-114276943-A-T.
Other names: c.6935A>T, p.Lys2312Met (NM_001386142.1); c.3569A>T, p.Lys1190Met (NM_001386166.1); c.7310A>T, p.Lys2437Met (NM_001386174.1); c.7286A>T, p.Lys2429Met (NM_001386175.1); c.4412-5036A>T (NM_001386186.2, NM_001386148.2); c.4214-5036A>T (NM_001354269.3); c.4292-5036A>T (NM_001386187.2); c.4253-5036A>T (NM_001386147.1); and 35 more; short protein forms K2390M, K1190M, K2312M, K2429M, K2437M.
Identifiers: ClinVar variation 518716 (VCV000518716.14), dbSNP rs769894397, ClinGen allele CA3051549.

ClinVar aggregate classification (germline): Conflicting classifications of pathogenicity. Review status: criteria provided, conflicting classifications (1 of 4 stars). 3 submissions from 3 submitters: Uncertain significance (2); Likely benign (1). Last evaluated 2026-01-12.

Conditions:
Cardiac arrhythmia, ankyrin-B-related. Also called: ANKYRIN-B SYNDROME. Identifiers: Orphanet 101016, Orphanet 768, MedGen C1970119, MONDO:0010958, OMIM 600919.
Cardiovascular phenotype. Identifiers: MedGen CN230736.
Long QT syndrome (LQTS). Identifiers: MedGen C0023976, MeSH D008133, MONDO:0002442. Disease mechanism: loss of function. Inheritance: Various modes of inheritance.

Allele frequency attached by ClinVar (database versions not stated): gnomAD 0.00001; gnomAD exomes 0.00001 and 0.00007; TOPMed 0.00003; ExAC 0.00004.
gnomAD v4.1: 17 of 1,613,980 alleles (0.0011%); highest among the groups gnomAD compares: Admixed American, 0.025%; no homozygotes.

Submissions (3):

Labcorp Genetics (formerly Invitae), Labcorp
Classification: Uncertain significance for Long QT syndrome. Last evaluated: 2026-01-12. Review status: criteria provided, single submitter. Criteria: Invitae Variant Classification Sherloc (09022015). Collection method: clinical testing. Allele origin: germline.
Comment: This sequence change replaces lysine, which is basic and polar, with methionine, which is neutral and non-polar, at codon 2390 of the ANK2 protein (p.Lys2390Met). This variant is present in population databases (rs769894397, gnomAD 0.04%), and has an allele count higher than expected for a pathogenic variant. This variant has not been reported in the literature in individuals affected with ANK2-related conditions. ClinVar contains an entry for this variant (Variation ID: 518716). An algorithm developed to predict the effect of missense changes on protein structure and function (PolyPhen-2) suggests that this variant is likely to be disruptive. In summary, the available evidence is currently insufficient to determine the role of this variant in disease. Therefore, it has been classified as a Variant of Uncertain Significance.

Ambry Genetics
Classification: Likely benign for Cardiovascular phenotype. Last evaluated: 2022-06-10. Review status: criteria provided, single submitter. Criteria: Ambry Variant Classification Scheme 2023. Collection method: clinical testing. Allele origin: germline.

Fulgent Genetics
Classification: Uncertain significance for Cardiac arrhythmia, ankyrin-B-related. Last evaluated: 2021-07-20. Review status: criteria provided, single submitter. Criteria: ACMG Guidelines, 2015. Collection method: clinical testing. Allele origin: unknown.